The following is an entry in ClinVar:

ClinVar aggregate classification (germline): Likely pathogenic (1 of 4 stars; one submission).

Conditions:
Ehlers-Danlos syndrome, type 4 (EDSVASC). Also called: Ehlers-Danlos syndrome vascular type; Ehlers Danlos syndrome, ecchymotic type; Ehlers Danlos syndrome, arterial type; Ehlers Danlos syndrome, Sack-Barabas type; Ehlers-Danlos Syndrome Type IV. Identifiers: Orphanet 286, MedGen C0268338, MONDO:0017314, OMIM 130050.

Submission:

Labcorp Genetics (formerly Invitae), Labcorp
Classification: Likely pathogenic for Ehlers-Danlos syndrome, type 4. Last evaluated: 2024-02-04. Review status: criteria provided, single submitter. Criteria: Invitae Variant Classification Sherloc (09022015). Collection method: clinical testing. Allele origin: germline.
Comment: This sequence change replaces glycine, which is neutral and non-polar, with serine, which is neutral and polar, at codon 861 of the COL3A1 protein (p.Gly861Ser). This variant is present in population databases (rs752413134, gnomAD 0.01%). This missense change has been observed in individual(s) with clinical features of COL3A1-related conditions (Invitae). Advanced modeling of protein sequence and biophysical properties (such as structural, functional, and spatial information, amino acid conservation, physicochemical variation, residue mobility, and thermodynamic stability) performed at Invitae indicates that this missense variant is expected to disrupt COL3A1 protein function with a positive predictive value of 95%. This variant disrupts the triple helix domain of COL3A1. Glycine residues within the Gly-Xaa-Yaa repeats of the triple helix domain are required for the structure and stability of fibrillar collagens (PMID: 7695699, 8218237, 19344236). In COL3A1, variants that affect these glycine residues are significantly enriched in individuals with disease (PMID: 24922459, 25758994) compared to the general population (ExAC). In summary, the currently available evidence indicates that the variant is pathogenic, but additional data are needed to prove that conclusively. Therefore, this variant has been classified as Likely Pathogenic.

Literature cited by the submitters: PubMed 7695699; PubMed 8218237; PubMed 19344236; PubMed 24922459; PubMed 25758994.

NM_000090.4(COL3A1):c.2581G>A (p.Gly861Ser)

Gene: COL3A1 (collagen type III alpha 1 chain; plus strand). Cytogenetic location: 2q32.2.
Variant type: single nucleotide variant.
Coding change: c.2581G>A on transcript NM_000090.4 (MANE Select); coding-DNA position 2581, G replaced by A.
Protein change: p.Gly861Ser; replaces glycine 861 with serine.
Molecular consequence: missense variant.
Genome position (GRCh38, 1-based): chr2:189,003,438, G>A. VCF-style: chr2-189003438-G-A. GRCh37 (hg19) VCF-style: chr2-189868164-G-A.
Other names: short protein forms G861S.
Identifiers: ClinVar variation 3634101 (VCV003634101.2).